The following is an entry in ClinVar:

ClinVar aggregate classification (germline): Benign/Likely benign. Review status: criteria provided, multiple submitters, no conflicts (2 of 4 stars). 3 submissions from 3 submitters: Benign (1); Likely benign (2). Last evaluated 2026-01-21.

Conditions:
Primary ciliary dyskinesia. Also called: Ciliary dyskinesia. Identifiers: Orphanet 244, MedGen C0008780, MONDO:0016575, HP:0012265.

Allele frequency attached by ClinVar (database versions not stated): gnomAD 0.00021 and 0.00031; TOPMed 0.00034; ExAC 0.00068; 1000 Genomes Project 30x 0.00187; 1000 Genomes Project 0.00220.
gnomAD v4.1: 472 of 1,613,452 alleles (0.029%); highest among the groups gnomAD compares: East Asian, 0.95%; 3 homozygotes.

Submissions (3):

Labcorp Genetics (formerly Invitae), Labcorp
Classification: Benign for Primary ciliary dyskinesia. Last evaluated: 2026-01-21. Review status: criteria provided, single submitter. Criteria: Invitae Variant Classification Sherloc (09022015). Collection method: clinical testing. Allele origin: germline.

Blueprint Genetics
Classification: Likely benign. Last evaluated: 2024-10-21. Review status: criteria provided, single submitter. Criteria: ACMG Guidelines, 2015. Collection method: clinical testing. Allele origin: germline.

GeneDx
Classification: Likely benign. Last evaluated: 2019-01-09. Review status: criteria provided, single submitter. Criteria: GeneDx Variant Classification Process June 2021. Collection method: clinical testing. Allele origin: germline. Affected: yes.
Comment: See Variant Classification Assertion Criteria.

NM_001277115.2(DNAH11):c.4306C>T (p.Arg1436Trp)

Gene: DNAH11 (dynein axonemal heavy chain 11; plus strand). Cytogenetic location: 7p15.3.
Variant type: single nucleotide variant.
Coding change: c.4306C>T on transcript NM_001277115.2 (MANE Select); coding-DNA position 4306, C replaced by T.
Protein change: p.Arg1436Trp; replaces arginine 1436 with tryptophan.
Molecular consequence: missense variant.
Genome position (GRCh38, 1-based): chr7:21,619,151, C>T. VCF-style: chr7-21619151-C-T. GRCh37 (hg19) VCF-style: chr7-21658769-C-T.
Other names: short protein forms R1436W.
Identifiers: ClinVar variation 359625 (VCV000359625.18), dbSNP rs183489539, ClinGen allele CA4179993.